The following is an entry in ClinVar:

NM_000426.4(LAMA2):c.5834C>A (p.Ala1945Asp)

Gene: LAMA2 (laminin subunit alpha 2; plus strand). Cytogenetic location: 6q22.33.
Variant type: single nucleotide variant.
Coding change: c.5834C>A on transcript NM_000426.4 (MANE Select); coding-DNA position 5834, C replaced by A.
Protein change: p.Ala1945Asp; replaces alanine 1945 with aspartic acid.
Molecular consequence: missense variant.
Genome position (GRCh38, 1-based): chr6:129,403,928, C>A. VCF-style: chr6-129403928-C-A. GRCh37 (hg19) VCF-style: chr6-129725073-C-A.
Other names: c.5834C>A, p.Ala1945Asp (NM_001079823.2); short protein forms A1945D.
Identifiers: ClinVar variation 965868 (VCV000965868.3), dbSNP rs1399615395, ClinGen allele CA365617437.

ClinVar aggregate classification (germline): Uncertain significance (1 of 4 stars; one submission).

Conditions:
LAMA2-related muscular dystrophy (LAMA2-RD). Also called: Laminin alpha 2-related dystrophy. Identifiers: MedGen C5679788, MONDO:0100228.

Allele frequency attached by ClinVar (database versions not stated): gnomAD exomes below 0.00001; TOPMed 0.00002; gnomAD 0.00003.
gnomAD v4.1: 37 of 1,613,756 alleles (0.0023%); highest among the groups gnomAD compares: Non-Finnish European, 0.0029%; no homozygotes.

Submission:

Labcorp Genetics (formerly Invitae), Labcorp
Classification: Uncertain significance for LAMA2-related muscular dystrophy. Last evaluated: 2022-08-23. Review status: criteria provided, single submitter. Criteria: Invitae Variant Classification Sherloc (09022015). Collection method: clinical testing. Allele origin: germline.
Comment: This sequence change replaces alanine, which is neutral and non-polar, with aspartic acid, which is acidic and polar, at codon 1945 of the LAMA2 protein (p.Ala1945Asp). This variant is present in population databases (no rsID available, gnomAD 0.0008%). This variant has not been reported in the literature in individuals affected with LAMA2-related conditions. ClinVar contains an entry for this variant (Variation ID: 965868). Advanced modeling of protein sequence and biophysical properties (such as structural, functional, and spatial information, amino acid conservation, physicochemical variation, residue mobility, and thermodynamic stability) performed at Invitae indicates that this missense variant is not expected to disrupt LAMA2 protein function. In summary, the available evidence is currently insufficient to determine the role of this variant in disease. Therefore, it has been classified as a Variant of Uncertain Significance.